The following is an entry in ClinVar:

ClinVar aggregate classification (germline): Conflicting classifications of pathogenicity. Review status: criteria provided, conflicting classifications (1 of 4 stars). 2 submissions from 2 submitters: Uncertain significance (1); Likely benign (1). Last evaluated 2026-07-01.

Conditions:
Inborn genetic diseases. Identifiers: MedGen C0950123, MeSH D030342.

Allele frequency attached by ClinVar (database versions not stated): gnomAD 0.00012; ExAC 0.00014; ESP Exome Variant Server 0.00023.
gnomAD v4.1: 465 of 1,613,952 alleles (0.029%); highest among the groups gnomAD compares: Non-Finnish European, 0.035%; no homozygotes.

Submissions (2):

CeGaT Center for Human Genetics Tuebingen
Classification: Likely benign. Last evaluated: 2026-07-01. Review status: criteria provided, single submitter. Criteria: CeGaT Center For Human Genetics Tuebingen Variant Classification Criteria Version 2. Collection method: clinical testing. Allele origin: germline. Affected: yes. Observed: 1 variant allele.
Comment: KCNA3: BS2

Ambry Genetics
Classification: Uncertain significance for Inborn genetic diseases. Last evaluated: 2023-02-27. Review status: criteria provided, single submitter. Criteria: Ambry Variant Classification Scheme 2023. Collection method: clinical testing. Allele origin: germline.

NM_002232.5(KCNA3):c.404G>T (p.Arg135Leu)

Gene: KCNA3 (potassium voltage-gated channel subfamily A member 3; minus strand). Cytogenetic location: 1p13.3.
Variant type: single nucleotide variant.
Coding change: c.404G>T on transcript NM_002232.5 (MANE Select); coding-DNA position 404, G replaced by T.
Protein change: p.Arg135Leu; replaces arginine 135 with leucine.
Molecular consequence: missense variant.
Genome position (GRCh38, 1-based): chr1:110,674,406, C>A on the plus strand (G>T on the coding strand, the complement: KCNA3 is on the minus strand). VCF-style: chr1-110674406-C-A. GRCh37 (hg19) VCF-style: chr1-111217028-C-A.
Other names: short protein forms R135L.
Identifiers: ClinVar variation 2457423 (VCV002457423.3), dbSNP rs202066814, ClinGen allele CA1000951.